The following is an entry in ClinVar:

NM_001128425.2(MUTYH):c.170T>G (p.Met57Arg)

Gene: MUTYH (mutY DNA glycosylase; minus strand). Cytogenetic location: 1p34.1.
Variant type: single nucleotide variant.
Coding change: c.170T>G on transcript NM_001128425.2 (MANE Plus Clinical); coding-DNA position 170, T replaced by G.
Protein change: p.Met57Arg; replaces methionine 57 with arginine.
Molecular consequence: missense variant. On other transcripts: intron variant (10).
Genome position (GRCh38, 1-based): chr1:45,333,591, A>C on the plus strand (T>G on the coding strand, the complement: MUTYH is on the minus strand). VCF-style: chr1-45333591-A-C. GRCh37 (hg19) VCF-style: chr1-45799263-A-C.
Other names: c.119T>G, p.Met40Arg (NM_001293191.2); c.161T>G, p.Met54Arg (NM_012222.3); c.-92-94T>G (NM_001350651.2); c.-97-94T>G (NM_001293192.2, NM_001293196.2); c.-156-30T>G (NM_001350650.2); c.116-30T>G (NM_001048171.2, NM_001048173.2, NM_001048174.2 and 1 more transcripts); c.158-27T>G (NM_001293190.2); c.116-27T>G (NM_001048172.2); short protein forms M57R, M40R, M54R.
Identifiers: ClinVar variation 577349 (VCV000577349.8), dbSNP rs1557487867, ClinGen allele CA340136824.
Genomic context (GRCh38, chr1:45,333,591, plus strand): 5'-AATACCACCTCTTCCGGCTGCCTGGCCAGGCCTGCTGGGGCCCCAGGACACTCAGCAATC[A>C]TCCCTGCACAGGCTGTGCATCAGGGTCTTGGGACACAGCAGCCTGTGGCAGTATGCTCCC-3'
Protein context (NP_001121897.1, residues 47-67): KPSACDACAG[Met57Arg]IAECPGAPAG

ClinVar aggregate classification (germline): Uncertain significance (1 of 4 stars; one submission).

Conditions:
Familial adenomatous polyposis 2. Also called: MYH-associated polyposis; FAP type 2; COLORECTAL ADENOMATOUS POLYPOSIS, AUTOSOMAL RECESSIVE; ADENOMAS, MULTIPLE COLORECTAL, AUTOSOMAL RECESSIVE; MUTYH-related attenuated familial adenomatous polyposis; MUTYH Polyposis. Identifiers: Orphanet 220460, Orphanet 247798, MedGen C3272841, MONDO:0012041, OMIM 608456.

Submission:

Labcorp Genetics (formerly Invitae), Labcorp
Classification: Uncertain significance for Familial adenomatous polyposis 2. Last evaluated: 2020-12-20. Review status: criteria provided, single submitter. Criteria: Invitae Variant Classification Sherloc (09022015). Collection method: clinical testing. Allele origin: germline.
Comment: In summary, the available evidence is currently insufficient to determine the role of this variant in disease. Therefore, it has been classified as a Variant of Uncertain Significance. Algorithms developed to predict the effect of missense changes on protein structure and function (SIFT, PolyPhen-2, Align-GVGD) all suggest that this variant is likely to be tolerated, but these predictions have not been confirmed by published functional studies and their clinical significance is uncertain. This variant has not been reported in the literature in individuals with MUTYH-related disease. This variant is not present in population databases (ExAC no frequency). This sequence change replaces methionine with arginine at codon 57 of the MUTYH protein (p.Met57Arg). The methionine residue is weakly conserved and there is a moderate physicochemical difference between methionine and arginine.